The following is an entry in ClinVar:

NM_001029883.3(PCARE):c.388del (p.Ser130fs)

Gene: PCARE (photoreceptor cilium actin regulator; minus strand). Cytogenetic location: 2p23.2.
Variant type: Deletion.
Coding change: c.388del on transcript NM_001029883.3 (MANE Select); coding-DNA position 388, one base deleted (T; older notation c.388delT).
Protein change: p.Ser130fs; shifts the reading frame from serine 130.
Molecular consequence: frameshift variant.
Genome position (GRCh38, 1-based): chr2:29,073,874, A deleted on the plus strand (T on the coding strand, the reverse complement: PCARE is on the minus strand); the first of 4 consecutive A bases (chr2:29,073,874-29,073,877); deleting any one gives the same sequence. VCF-style (leftmost placement, unchanged base first): chr2-29073873-GA-G. GRCh37 (hg19) VCF-style: chr2-29296739-GA-G.
Other names: short protein forms S130fs.
Identifiers: ClinVar variation 2749518 (VCV002749518.3), dbSNP rs2465280012, ClinGen allele CA2658451425.

ClinVar aggregate classification (germline): Pathogenic (1 of 4 stars; one submission).

Submission:

Labcorp Genetics (formerly Invitae), Labcorp
Classification: Pathogenic. Last evaluated: 2023-08-08. Review status: criteria provided, single submitter. Criteria: Invitae Variant Classification Sherloc (09022015). Collection method: clinical testing. Allele origin: germline.
Comment: For these reasons, this variant has been classified as Pathogenic. This variant has not been reported in the literature in individuals affected with PCARE-related conditions. This variant is not present in population databases (gnomAD no frequency). This sequence change creates a premature translational stop signal (p.Ser130Leufs*52) in the PCARE gene. It is expected to result in an absent or disrupted protein product. Loss-of-function variants in PCARE are known to be pathogenic (PMID: 20398886, 24339724, 26496393).

Literature cited by the submitters: PubMed 20398886; PubMed 24339724; PubMed 26496393.